The following is an entry in ClinVar:

NC_000015.10:g.38351008_38351021T[4]AGGTCCCTTTTTTTTTTTTTTTTTTTTTTTNNNNNNNNNNTCACCGTCTTCTGCGTCGCTCACGCTGGGAGCTGTAGACCGGAGCTGTTCCTATTCGACCATCTTGGCTCCTCCCCTTTTAGGTCCCTTT[1]

Gene: SPRED1 (sprouty related EVH1 domain containing 1; plus strand). Cytogenetic location: 15q14.
Variant type: Microsatellite.
Genome position: GRCh38: chr15:38,351,008-38,351,021. GRCh37 (hg19), VCF-style position (the base before the change): chr15:38,643,208.
Identifiers: ClinVar variation 3644135 (VCV003644135.2).

ClinVar aggregate classification (germline): Pathogenic (1 of 4 stars; one submission).

Conditions:
Legius syndrome. Identifiers: Orphanet 137605, MedGen C1969623, MONDO:0012669, OMIM 611431. Disease mechanism: loss of function.

Submission:

Labcorp Genetics (formerly Invitae), Labcorp
Classification: Pathogenic for Legius syndrome. Last evaluated: 2024-03-01. Review status: criteria provided, single submitter. Criteria: Invitae Variant Classification Sherloc (09022015). Collection method: clinical testing. Allele origin: germline.
Comment: This sequence change inserts a large fragment of DNA, likely a transposable element, in exon 7 of the SPRED1 gene (c.692_693ins?), causing a frameshift at codon 231 (p.Leu231fs). The exact size and sequence of the insertion cannot be determined by the current assay. However, the insertion is expected to result in an absent or disrupted protein product. This variant is not present in population databases (gnomAD no frequency). This variant has not been reported in the literature in individuals affected with SPRED1-related conditions. This variant disrupts a region of the SPRED1 protein in which other variant(s) (p.Cys418Alafs*6) have been determined to be pathogenic (PMID: 19920235). This suggests that this is a clinically significant region of the protein, and that variants that disrupt it are likely to be disease-causing. Retrotransposon insertions including LINE1 (L1), Alu, and SVA (SINE-VNTR-Alu) have been reported to disrupt protein function (PMID: 19763152, 20307669, 22406018). However the effect of this particular variant is unknown. For these reasons, this variant has been classified as Pathogenic.

Literature cited by the submitters: PubMed 19920235; PubMed 19763152; PubMed 20307669; PubMed 22406018.